The following is an entry in ClinVar:

NM_014806.5(RUSC2):c.4480G>C (p.Gly1494Arg)

Gene: RUSC2 (RUN and SH3 domain containing 2; plus strand). Cytogenetic location: 9p13.3.
Variant type: single nucleotide variant.
Coding change: c.4480G>C on transcript NM_014806.5 (MANE Select); coding-DNA position 4480, G replaced by C.
Protein change: p.Gly1494Arg; replaces glycine 1494 with arginine.
Molecular consequence: missense variant. On other transcripts: non-coding transcript variant (1).
Genome position (GRCh38, 1-based): chr9:35,561,311, G>C. VCF-style: chr9-35561311-G-C. GRCh37 (hg19) VCF-style: chr9-35561308-G-C.
Other names: c.4480G>C, p.Gly1494Arg (NM_001135999.2); c.1846G>C, p.Gly616Arg (NM_001330740.2); short protein forms G616R, G1494R.
Identifiers: ClinVar variation 4749998 (VCV004749998.1).

ClinVar aggregate classification (germline): Uncertain significance (1 of 4 stars; one submission).

gnomAD v4.1: 20 of 1,614,040 alleles (0.0012%); highest among the groups gnomAD compares: Non-Finnish European, 0.0014%; no homozygotes.

Submission:

Labcorp Genetics (formerly Invitae), Labcorp
Classification: Uncertain significance. Last evaluated: 2025-11-10. Review status: criteria provided, single submitter. Criteria: Invitae Variant Classification Sherloc (09022015). Collection method: clinical testing. Allele origin: germline.
Comment: This sequence change replaces glycine, which is neutral and non-polar, with arginine, which is basic and polar, at codon 1494 of the RUSC2 protein (p.Gly1494Arg). This variant is present in population databases (rs201389492, gnomAD 0.002%). This variant has not been reported in the literature in individuals affected with RUSC2-related conditions. An algorithm developed to predict the effect of missense changes on protein structure and function (PolyPhen-2) suggests that this variant is likely to be disruptive. In summary, the available evidence is currently insufficient to determine the role of this variant in disease. Therefore, it has been classified as a Variant of Uncertain Significance.